The following is an entry in ClinVar:

NM_001211.6(BUB1B):c.2846A>G (p.Tyr949Cys)

Genes: BUB1B (BUB1 mitotic checkpoint serine/threonine kinase B; plus strand), BUB1B-PAK6 (BUB1B-PAK6 readthrough; plus strand). Cytogenetic location: 15q15.1.
Variant type: single nucleotide variant.
Coding change: c.2846A>G on transcript NM_001211.6 (MANE Select); coding-DNA position 2846, A replaced by G.
Protein change: p.Tyr949Cys; replaces tyrosine 949 with cysteine.
Molecular consequence: missense variant. On other transcripts: 5 prime UTR variant (2).
Genome position (GRCh38, 1-based): chr15:40,217,663, A>G. VCF-style: chr15-40217663-A-G. GRCh37 (hg19) VCF-style: chr15-40509864-A-G.
Other names: c.-205A>G (NM_001128628.3); c.-122A>G (NM_001128629.3); short protein forms Y949C.
Identifiers: ClinVar variation 1796771 (VCV001796771.2), dbSNP rs746355420, ClinGen allele CA7476135.

ClinVar aggregate classification (germline): Uncertain significance (1 of 4 stars; one submission).

Conditions:
Inborn genetic diseases. Identifiers: MedGen C0950123, MeSH D030342.

Allele frequency attached by ClinVar (database versions not stated): ExAC 0.00001.

Submission:

Ambry Genetics
Classification: Uncertain significance for Inborn genetic diseases. Last evaluated: 2022-07-12. Review status: criteria provided, single submitter. Criteria: Ambry Variant Classification Scheme 2023. Collection method: clinical testing. Allele origin: germline.
Comment: The p.Y949C variant (also known as c.2846A>G), located in coding exon 21 of the BUB1B gene, results from an A to G substitution at nucleotide position 2846. The tyrosine at codon 949 is replaced by cysteine, an amino acid with highly dissimilar properties. This amino acid position is conserved. In addition, the in silico prediction for this alteration is inconclusive. Since supporting evidence is limited at this time, the clinical significance of this alteration remains unclear.